The following is an entry in ClinVar:

NM_000170.3(GLDC):c.937G>T (p.Ala313Ser)

Gene: GLDC (glycine decarboxylase; minus strand). Cytogenetic location: 9p24.1.
Variant type: single nucleotide variant.
Coding change: c.937G>T on transcript NM_000170.3 (MANE Select); coding-DNA position 937, G replaced by T.
Protein change: p.Ala313Ser; replaces alanine 313 with serine.
Molecular consequence: missense variant.
Genome position (GRCh38, 1-based): chr9:6,604,709, C>A on the plus strand (G>T on the coding strand, the complement: GLDC is on the minus strand). VCF-style: chr9-6604709-C-A. GRCh37 (hg19) VCF-style: chr9-6604709-C-A.
Other names: short protein forms A313S.
Identifiers: ClinVar variation 2172513 (VCV002172513.2), dbSNP rs386833592, ClinGen allele CA4980918.

ClinVar aggregate classification (germline): Uncertain significance. Review status: criteria provided, multiple submitters, no conflicts (2 of 4 stars). 2 submissions from 2 submitters: Uncertain significance (2). Last evaluated 2023-07-24.

Conditions:
Glycine encephalopathy. Also called: Non-ketotic hyperglycinemia; Nonketotic hyperglycinemia. Identifiers: Orphanet 407, MedGen C0751748, MONDO:0011612, HP:0008288.

gnomAD v4.1: 6 of 1,614,022 alleles (0.00037%); highest among the groups gnomAD compares: South Asian, 0.0055%; no homozygotes.

Submissions (2):

Women's Health and Genetics/Laboratory Corporation of America, LabCorp
Classification: Uncertain significance. Last evaluated: 2023-07-24. Review status: criteria provided, single submitter. Criteria: LabCorp Variant Classification Summary - May 2015. Collection method: clinical testing. Allele origin: germline.

Labcorp Genetics (formerly Invitae), Labcorp
Classification: Uncertain significance for Glycine encephalopathy. Last evaluated: 2021-02-19. Review status: criteria provided, single submitter. Criteria: Invitae Variant Classification Sherloc (09022015). Collection method: clinical testing. Allele origin: germline.
Comment: This sequence change replaces alanine with serine at codon 313 of the GLDC protein (p.Ala313Ser). The alanine residue is moderately conserved and there is a moderate physicochemical difference between alanine and serine. This variant is present in population databases (rs386833592, ExAC 0.006%). This variant has not been reported in the literature in individuals with GLDC-related conditions. Algorithms developed to predict the effect of missense changes on protein structure and function (SIFT, PolyPhen-2, Align-GVGD) all suggest that this variant is likely to be tolerated, but these predictions have not been confirmed by published functional studies and their clinical significance is uncertain. In summary, the available evidence is currently insufficient to determine the role of this variant in disease. Therefore, it has been classified as a Variant of Uncertain Significance.